The following is an entry in ClinVar:

NM_031433.4(MFRP):c.33G>A (p.Met11Ile)

Genes: C1QTNF5 (C1q and TNF related 5; minus strand), MFRP (membrane frizzled-related protein; minus strand). Cytogenetic location: 11q23.3.
Variant type: single nucleotide variant.
Coding change: c.33G>A on transcript NM_031433.4 (MANE Select); coding-DNA position 33, G replaced by A.
Protein change: p.Met11Ile; replaces methionine 11 with isoleucine.
Molecular consequence: missense variant. On other transcripts: 5 prime UTR variant (1).
Genome position (GRCh38, 1-based): chr11:119,346,481, C>T on the plus strand (G>A on the coding strand, the complement: MFRP is on the minus strand). VCF-style: chr11-119346481-C-T. GRCh37 (hg19) VCF-style: chr11-119217191-C-T.
Other names: c.-2604G>A (NM_015645.5); short protein forms M11I.
Identifiers: ClinVar variation 1024684 (VCV001024684.9), dbSNP rs1950572265, ClinGen allele CA382979869.

ClinVar aggregate classification (germline): Uncertain significance (1 of 4 stars; one submission).

Conditions:
Isolated microphthalmia 5. Also called: Posterior Microphthalmia with Retinitis Pigmentosa, Foveoschisis, and Optic Disc Drusen. Identifiers: Orphanet 251279, MedGen C1970236, MONDO:0012605, OMIM 611040.

Allele frequency attached by ClinVar (database versions not stated): gnomAD exomes below 0.00001.
gnomAD v4.1: 1 of 1,614,140 alleles (0.000062%); highest among the groups gnomAD compares: Non-Finnish European, 0.000085%; no homozygotes.

Submission:

Labcorp Genetics (formerly Invitae), Labcorp
Classification: Uncertain significance for Isolated microphthalmia 5. Last evaluated: 2022-02-23. Review status: criteria provided, single submitter. Criteria: Invitae Variant Classification Sherloc (09022015). Collection method: clinical testing. Allele origin: germline.
Comment: This variant is not present in population databases (gnomAD no frequency). This sequence change replaces methionine, which is neutral and non-polar, with isoleucine, which is neutral and non-polar, at codon 11 of the MFRP protein (p.Met11Ile). In summary, the available evidence is currently insufficient to determine the role of this variant in disease. Therefore, it has been classified as a Variant of Uncertain Significance. Algorithms developed to predict the effect of sequence changes on RNA splicing suggest that this variant may create or strengthen a splice site. Algorithms developed to predict the effect of missense changes on protein structure and function (SIFT, PolyPhen-2, Align-GVGD) all suggest that this variant is likely to be tolerated. ClinVar contains an entry for this variant (Variation ID: 1024684). This variant has not been reported in the literature in individuals affected with MFRP-related conditions.